The following is an entry in ClinVar:

NM_177438.3(DICER1):c.5443C>T (p.Leu1815Phe)

Gene: DICER1 (dicer 1, ribonuclease III; minus strand). Cytogenetic location: 14q32.13.
Variant type: single nucleotide variant.
Coding change: c.5443C>T on transcript NM_177438.3 (MANE Select); coding-DNA position 5443, C replaced by T.
Protein change: p.Leu1815Phe; replaces leucine 1815 with phenylalanine.
Molecular consequence: missense variant. On other transcripts: non-coding transcript variant (6), intron variant (1).
Genome position (GRCh38, 1-based): chr14:95,091,287, G>A on the plus strand (C>T on the coding strand, the complement: DICER1 is on the minus strand). VCF-style: chr14-95091287-G-A. GRCh37 (hg19) VCF-style: chr14-95557624-G-A.
Other names: c.5365-178C>T (NM_001195573.1); c.5443C>T, p.Leu1815Phe (NM_001271282.3, NM_001291628.2, NM_001395677.1 and 8 more transcripts); c.5161C>T, p.Leu1721Phe (NM_001395686.1); c.5038C>T, p.Leu1680Phe (NM_001395687.1, NM_001395688.1, NM_001395689.1 and 1 more transcripts); c.4876C>T, p.Leu1626Phe (NM_001395691.1); c.3760C>T, p.Leu1254Phe (NM_001395697.1); short protein forms L1815F, L1626F, L1680F, L1721F, L1254F.
Identifiers: ClinVar variation 3019236 (VCV003019236.4), dbSNP rs1282259682, ClinGen allele CA390864641.

ClinVar aggregate classification (germline): Uncertain significance. Review status: criteria provided, multiple submitters, no conflicts (2 of 4 stars). 2 submissions from 2 submitters: Uncertain significance (2). Last evaluated 2025-01-19.

Conditions:
DICER1-related tumor predisposition. Also called: DICER1 syndrome; DICER1-related pleuropulmonary blastoma cancer predisposition syndrome. Identifiers: Orphanet 284343, MedGen C3839822, MONDO:0100216.
Hereditary cancer-predisposing syndrome. Also called: Hereditary Cancer Syndrome; Tumor predisposition; Hereditary neoplastic syndrome; Neoplastic Syndromes, Hereditary. Identifiers: Orphanet 140162, MedGen C0027672, MeSH D009386, MONDO:0015356.

Allele frequency attached by ClinVar (database versions not stated): gnomAD exomes below 0.00001.
gnomAD v4.1: 1 of 1,614,018 alleles (0.000062%); highest among the groups gnomAD compares: Non-Finnish European, 0.000085%; no homozygotes.

Submissions (2):

Ambry Genetics
Classification: Uncertain significance for Hereditary cancer-predisposing syndrome. Last evaluated: 2025-01-19. Review status: criteria provided, single submitter. Criteria: Ambry Variant Classification Scheme 2023. Collection method: clinical testing. Allele origin: germline.
Comment: The p.L1815F variant (also known as c.5443C>T), located in coding exon 24 of the DICER1 gene, results from a C to T substitution at nucleotide position 5443. The leucine at codon 1815 is replaced by phenylalanine, an amino acid with highly similar properties. This amino acid position is conserved. In addition, the in silico prediction for this alteration is inconclusive. Based on the available evidence, the clinical significance of this variant remains unclear.

Labcorp Genetics (formerly Invitae), Labcorp
Classification: Uncertain significance for DICER1-related tumor predisposition. Last evaluated: 2024-01-30. Review status: criteria provided, single submitter. Criteria: Invitae Variant Classification Sherloc (09022015). Collection method: clinical testing. Allele origin: germline.
Comment: This sequence change replaces leucine, which is neutral and non-polar, with phenylalanine, which is neutral and non-polar, at codon 1815 of the DICER1 protein (p.Leu1815Phe). This variant is present in population databases (no rsID available, gnomAD 0.0009%). This variant has not been reported in the literature in individuals affected with DICER1-related conditions. An algorithm developed to predict the effect of missense changes on protein structure and function (PolyPhen-2) suggests that this variant is likely to be disruptive. In summary, the available evidence is currently insufficient to determine the role of this variant in disease. Therefore, it has been classified as a Variant of Uncertain Significance.